The following is an entry in ClinVar:

NM_002465.4(MYBPC1):c.2902G>C (p.Ala968Pro)

Gene: MYBPC1 (myosin binding protein C1; plus strand). Cytogenetic location: 12q23.2.
Variant type: single nucleotide variant.
Coding change: c.2902G>C on transcript NM_002465.4 (MANE Select); coding-DNA position 2902, G replaced by C.
Protein change: p.Ala968Pro; replaces alanine 968 with proline.
Molecular consequence: missense variant.
Genome position (GRCh38, 1-based): chr12:101,675,384, G>C. VCF-style: chr12-101675384-G-C. GRCh37 (hg19) VCF-style: chr12-102069162-G-C.
Other names: c.2881G>C, p.Ala961Pro (NM_001254718.3, NM_206820.4); c.2827G>C, p.Ala943Pro (NM_001254719.3, NM_206821.4); c.2791G>C, p.Ala931Pro (NM_001254720.3); c.2770G>C, p.Ala924Pro (NM_001254721.3, NM_001404676.1, NM_001404678.1); c.2749G>C, p.Ala917Pro (NM_001254722.3, NM_001404680.1); c.2788G>C, p.Ala930Pro (NM_001254723.3); c.2902G>C, p.Ala968Pro (NM_001404675.1, NM_206819.4); c.2692G>C, p.Ala898Pro (NM_001404677.1, NM_001404679.1, NM_001404681.1); and 1 more; short protein forms A898P, A917P, A924P, A930P, A931P, A943P, A961P, A968P.
Identifiers: ClinVar variation 2635914 (VCV002635914.2), dbSNP rs1249516758, ClinGen allele CA386276041.
Genomic context (GRCh38, chr12:101,675,384, plus strand): 5'-GAGGATGTCTGGGGAGAAAATGTCGCTCTCACATGGACTCCACCAAAGGATGATGGAAAT[G>C]CTGCTATCACAGGCTATACCATTCAGAAGGCTGACAAGAAGAGCATGGTAAGGTCTGGCT-3'
Protein context (NP_002456.2, residues 958-978): TWTPPKDDGN[Ala968Pro]AITGYTIQKA

ClinVar aggregate classification (germline): Uncertain significance. Review status: criteria provided, multiple submitters, no conflicts (2 of 4 stars). 2 submissions from 2 submitters: Uncertain significance (2). Last evaluated 2024-01-03.

Conditions:
Inborn genetic diseases. Identifiers: MedGen C0950123, MeSH D030342.
MYBPC1-related disorder. Also called: MYBPC1-related condition.

Allele frequency attached by ClinVar (database versions not stated): TOPMed below 0.00001; gnomAD exomes 0.00001.
gnomAD v4.1: 10 of 1,614,168 alleles (0.00062%); highest among the groups gnomAD compares: Non-Finnish European, 0.00085%; no homozygotes.

Submissions (2):

Ambry Genetics
Classification: Uncertain significance for Inborn genetic diseases. Last evaluated: 2024-01-03. Review status: criteria provided, single submitter. Criteria: Ambry Variant Classification Scheme 2023. Collection method: clinical testing. Allele origin: germline.

PreventionGenetics, part of Exact Sciences
Classification: Uncertain significance for MYBPC1-related condition. Last evaluated: 2023-03-13. Review status: criteria provided, single submitter. Criteria: ACMG Guidelines, 2015. Collection method: clinical testing. Allele origin: germline.
Comment: The MYBPC1 c.2902G>C variant is predicted to result in the amino acid substitution p.Ala968Pro. To our knowledge, this variant has not been reported in the literature or in a large population database, indicating this variant is rare. At this time, the clinical significance of this variant is uncertain due to the absence of conclusive functional and genetic evidence.